The following is an entry in ClinVar:

ClinVar aggregate classification (germline): Likely pathogenic (1 of 4 stars; one submission).

Conditions:
Hereditary cancer-predisposing syndrome. Also called: Neoplastic Syndromes, Hereditary; Tumor predisposition; Hereditary Cancer Syndrome; Hereditary neoplastic syndrome. Identifiers: Orphanet 140162, MedGen C0027672, MeSH D009386, MONDO:0015356.

Submission:

Ambry Genetics
Classification: Likely pathogenic for Hereditary cancer-predisposing syndrome. Last evaluated: 2025-03-11. Review status: criteria provided, single submitter. Criteria: Ambry Variant Classification Scheme 2023. Collection method: clinical testing. Allele origin: germline.
Comment: The c.8992_8993delAT variant, located in coding exon 62 of the ATM gene, results from a deletion of two nucleotides at nucleotide positions 8992 to 8993, causing a translational frameshift with a predicted alternate stop codon (p.I2998*). This alteration occurs at the 3' terminus of the ATM gene, is not expected to trigger nonsense-mediated mRNA decay, and only impacts the last 59 amino acids of the protein. However, premature stop codons are typically deleterious in nature and the impacted region is critical for protein function (Ambry internal data). Based on the majority of available evidence to date, this variant is likely to be pathogenic.

NM_000051.4(ATM):c.8992_8993del (p.Asp2997_Ile2998insTer)

Genes: ATM (ATM serine/threonine kinase; plus strand), C11orf65 (chromosome 11 open reading frame 65; minus strand). Cytogenetic location: 11q22.3.
Variant type: Microsatellite.
Coding change: c.8992_8993del on transcript NM_000051.4 (MANE Select); coding-DNA positions 8992 to 8993, 2 bases deleted (AT; older notation c.8992_8993delAT).
Protein change: p.Asp2997_Ile2998insTer.
Molecular consequence: nonsense. On other transcripts: intron variant (2), frameshift variant (1).
Genome position (GRCh38, 1-based): chr11:108,365,329-108,365,330, AT deleted; deleting any 2 consecutive bases within chr11:108,365,327-108,365,330 gives the same sequence; the c. name uses the placement nearest the transcript's 3' end. VCF-style (leftmost placement, unchanged base first): chr11-108365326-GAT-G. GRCh37 (hg19) VCF-style: chr11-108236053-GAT-G.
Other names: c.8992_8993del, p.Asp2997_Ile2998insTer (NM_001351834.2); c.640+20592_640+20593del (NM_001330368.2); c.694+20592_694+20593del (NM_001351110.2); c.8992_8993delAT (NM_000051.3).
Identifiers: ClinVar variation 3802637 (VCV003802637.1).